The following is an entry in ClinVar:

ClinVar aggregate classification (germline): Pathogenic (1 of 4 stars; one submission).

Submission:

Labcorp Genetics (formerly Invitae), Labcorp
Classification: Pathogenic. Last evaluated: 2022-03-15. Review status: criteria provided, single submitter. Criteria: Invitae Variant Classification Sherloc (09022015). Collection method: clinical testing. Allele origin: germline.
Comment: This variant has not been reported in the literature in individuals affected with VPS13A-related conditions. For these reasons, this variant has been classified as Pathogenic. This variant is not present in population databases (gnomAD no frequency). This sequence change creates a premature translational stop signal (p.Gly2926Valfs*7) in the VPS13A gene. It is expected to result in an absent or disrupted protein product. Loss-of-function variants in VPS13A are known to be pathogenic (PMID: 12404112, 21598378).

Literature cited by the submitters: PubMed 12404112; PubMed 21598378.

NM_033305.3(VPS13A):c.8775del (p.Gly2926fs)

Gene: VPS13A (vacuolar protein sorting 13 homolog A; plus strand). Cytogenetic location: 9q21.2.
Variant type: Deletion.
Coding change: c.8775del on transcript NM_033305.3 (MANE Select); coding-DNA position 8775, one base deleted (C; older notation c.8775delC).
Protein change: p.Gly2926fs; shifts the reading frame from glycine 2926.
Molecular consequence: frameshift variant.
Genome position (GRCh38, 1-based): chr9:77,370,446, C deleted; the last of 2 consecutive C bases (chr9:77,370,445-77,370,446); deleting either gives the same sequence. VCF-style (leftmost placement, unchanged base first): chr9-77370444-AC-A. GRCh37 (hg19) VCF-style: chr9-79985360-AC-A.
Other names: c.8658del, p.Gly2887fs (NM_001018037.2); c.8775del, p.Gly2926fs (NM_001018038.3, NM_015186.4); short protein forms G2887fs, G2926fs.
Identifiers: ClinVar variation 2112765 (VCV002112765.4), dbSNP rs2538203535, ClinGen allele CA2580080649.